The following is an entry in ClinVar:

NM_005477.3(HCN4):c.697A>T (p.Met233Leu)

Gene: HCN4 (hyperpolarization activated cyclic nucleotide gated potassium channel 4; minus strand). Cytogenetic location: 15q24.1.
Variant type: single nucleotide variant.
Coding change: c.697A>T on transcript NM_005477.3 (MANE Select); coding-DNA position 697, A replaced by T.
Protein change: p.Met233Leu; replaces methionine 233 with leucine.
Molecular consequence: missense variant.
Genome position (GRCh38, 1-based): chr15:73,367,574, T>A on the plus strand (A>T on the coding strand, the complement: HCN4 is on the minus strand). VCF-style: chr15-73367574-T-A. GRCh37 (hg19) VCF-style: chr15-73659915-T-A.
Other names: short protein forms M233L.
Identifiers: ClinVar variation 862743 (VCV000862743.9), dbSNP rs749389306, ClinGen allele CA7649436.

ClinVar aggregate classification (germline): Uncertain significance. Review status: criteria provided, multiple submitters, no conflicts (2 of 4 stars). 2 submissions from 2 submitters: Uncertain significance (2). Last evaluated 2025-11-18.

Conditions:
Brugada syndrome 8 (BRGDA8). Identifiers: Orphanet 130, MedGen C2751083, MONDO:0013148, OMIM 613123.
Cardiovascular phenotype. Identifiers: MedGen CN230736.

Allele frequency attached by ClinVar (database versions not stated): gnomAD exomes below 0.00001; ExAC 0.00001; gnomAD 0.00001; TOPMed 0.00002.

Submissions (2):

Labcorp Genetics (formerly Invitae), Labcorp
Classification: Uncertain significance for Brugada syndrome 8. Last evaluated: 2025-11-18. Review status: criteria provided, single submitter. Criteria: Invitae Variant Classification Sherloc (09022015). Collection method: clinical testing. Allele origin: germline.
Comment: This sequence change replaces methionine, which is neutral and non-polar, with leucine, which is neutral and non-polar, at codon 233 of the HCN4 protein (p.Met233Leu). This variant is present in population databases (rs749389306, gnomAD 0.007%). This variant has not been reported in the literature in individuals affected with HCN4-related conditions. ClinVar contains an entry for this variant (Variation ID: 862743). Invitae Evidence Modeling of protein sequence and biophysical properties (such as structural, functional, and spatial information, amino acid conservation, physicochemical variation, residue mobility, and thermodynamic stability) has been performed for this missense variant. However, the output from this modeling did not meet the statistical confidence thresholds required to predict the impact of this variant on HCN4 protein function. In summary, the available evidence is currently insufficient to determine the role of this variant in disease. Therefore, it has been classified as a Variant of Uncertain Significance.

Ambry Genetics
Classification: Uncertain significance for Cardiovascular phenotype. Last evaluated: 2024-06-21. Review status: criteria provided, single submitter. Criteria: Ambry Variant Classification Scheme 2023. Collection method: clinical testing. Allele origin: germline.
Comment: The p.M233L variant (also known as c.697A>T), located in coding exon 1 of the HCN4 gene, results from an A to T substitution at nucleotide position 697. The methionine at codon 233 is replaced by leucine, an amino acid with highly similar properties. This amino acid position is conserved. In addition, the in silico prediction for this alteration is inconclusive. Since supporting evidence is limited at this time, the clinical significance of this alteration remains unclear.